The following is an entry in ClinVar:

ClinVar aggregate classification (germline): Conflicting classifications of pathogenicity. Review status: criteria provided, conflicting classifications (1 of 4 stars). 8 submissions from 8 submitters: Uncertain significance (7); Likely benign (1). Last evaluated 2025-04-17.

Conditions:
MATN3-related disorder. Also called: MATN3-related condition.
Connective tissue disorder. Also called: Connective tissue disease. Identifiers: MedGen C0009782, MONDO:0003900.
Spondyloepimetaphyseal dysplasia, matrilin-3 type (SEMDBCD). Also called: SEMD, MATN3-RELATED; Spondyloepimetaphyseal dysplasia, MATN3-related. Identifiers: Orphanet 156728, MedGen C1837481, MONDO:0012108, OMIM 608728.
Multiple epiphyseal dysplasia type 5 (EDM5). Also called: Microepiphyseal dysplasia, bilateral hereditary; MATN3-Related Multiple Epiphyseal Dysplasia. Identifiers: Orphanet 93311, MedGen C1846843, MONDO:0011765, OMIM 607078.

Allele frequency attached by ClinVar (database versions not stated): ESP Exome Variant Server 0.00016; ExAC 0.00024; TOPMed 0.00024.
gnomAD v4.1: 449 of 1,614,042 alleles (0.028%); highest among the groups gnomAD compares: Middle Eastern, 0.58%; 1 homozygote.

Submissions (8):

Labcorp Genetics (formerly Invitae), Labcorp
Classification: Uncertain significance. Last evaluated: 2025-04-17. Review status: criteria provided, single submitter. Criteria: Invitae Variant Classification Sherloc (09022015). Collection method: clinical testing. Allele origin: germline.
Comment: This sequence change replaces valine, which is neutral and non-polar, with leucine, which is neutral and non-polar, at codon 176 of the MATN3 protein (p.Val176Leu). This variant is present in population databases (rs200762092, gnomAD 0.03%). This variant has not been reported in the literature in individuals affected with MATN3-related conditions. ClinVar contains an entry for this variant (Variation ID: 593099). Invitae Evidence Modeling of protein sequence and biophysical properties (such as structural, functional, and spatial information, amino acid conservation, physicochemical variation, residue mobility, and thermodynamic stability) indicates that this missense variant is not expected to disrupt MATN3 protein function with a negative predictive value of 80%. In summary, the available evidence is currently insufficient to determine the role of this variant in disease. Therefore, it has been classified as a Variant of Uncertain Significance.

PreventionGenetics, part of Exact Sciences
Classification: Uncertain significance for MATN3-related condition. Last evaluated: 2024-12-06. Review status: criteria provided, single submitter. Criteria: ACMG Guidelines, 2015. Collection method: clinical testing. Allele origin: germline.
Comment: The MATN3 c.526G>T variant is predicted to result in the amino acid substitution p.Val176Leu. To our knowledge, this variant has not been reported in the literature. This variant is reported in 0.031% of alleles in individuals of Latino descent in gnomAD. At this time, the clinical significance of this variant is uncertain due to the absence of conclusive functional and genetic evidence.

Blueprint Genetics
Classification: Likely benign. Last evaluated: 2024-09-30. Review status: criteria provided, single submitter. Criteria: ACMG Guidelines, 2015. Collection method: clinical testing. Allele origin: germline.

Department of Pathology and Laboratory Medicine, Sinai Health System
Classification: Uncertain significance for Multiple epiphyseal dysplasia type 5; Spondyloepimetaphyseal dysplasia, matrilin-3 type. Last evaluated: 2023-06-28. Review status: criteria provided, single submitter. Criteria: ACMG Guidelines, 2015. Collection method: research. Allele origin: germline.

Genome Diagnostics Laboratory, The Hospital for Sick Children
Classification: Uncertain significance for Connective tissue disorder. Last evaluated: 2020-01-01. Review status: criteria provided, single submitter. Criteria: ACMG Guidelines, 2015. Collection method: clinical testing. Allele origin: germline.

Baylor Genetics
Classification: Uncertain significance for Spondyloepimetaphyseal dysplasia, matrilin-3 type. Last evaluated: 2019-11-08. Review status: criteria provided, single submitter. Criteria: ACMG Guidelines, 2015. Collection method: clinical testing. Allele origin: unknown. Affected: yes.
Comment: This variant was determined to be of uncertain significance according to ACMG Guidelines, 2015 [PMID:25741868].

Illumina Laboratory Services, Illumina
Classification: Uncertain significance for Multiple epiphyseal dysplasia type 5. Last evaluated: 2018-01-12. Review status: criteria provided, single submitter. Criteria: ICSL Variant Classification Criteria 13 December 2019. Collection method: clinical testing. Allele origin: germline.

Eurofins Ntd Llc (ga)
Classification: Uncertain significance. Last evaluated: 2017-07-21. Review status: criteria provided, single submitter. Criteria: EGL Classification Definitions 2015. Collection method: clinical testing. Allele origin: germline. Observed: 1 variant allele, 1 heterozygote.

NM_002381.5(MATN3):c.526G>T (p.Val176Leu)

Gene: MATN3 (matrilin 3; minus strand). Cytogenetic location: 2p24.1.
Variant type: single nucleotide variant.
Coding change: c.526G>T on transcript NM_002381.5 (MANE Select); coding-DNA position 526, G replaced by T.
Protein change: p.Val176Leu; replaces valine 176 with leucine.
Molecular consequence: missense variant.
Genome position (GRCh38, 1-based): chr2:20,006,008, C>A on the plus strand (G>T on the coding strand, the complement: MATN3 is on the minus strand). VCF-style: chr2-20006008-C-A. GRCh37 (hg19) VCF-style: chr2-20205769-C-A.
Other names: short protein forms V176L.
Identifiers: ClinVar variation 593099 (VCV000593099.21), dbSNP rs200762092, ClinGen allele CA1543956.
Genomic context (GRCh38, chr2:20,006,008, plus strand): 5'-CTGTAACAATGATGGCCACCTTAGGGATGTTAGAAGAGGGCTCTCGAGCCCCTGCCTCCA[C>A]TGTGAAGGCTTCGTCCATTGCTGTCTGGATGGCTAGGCCTGACATGGTGCCTGTTGACAA-3'
Protein context (NP_002372.1, residues 166-186): IQTAMDEAFT[Val176Leu]EAGAREPSSN